The following is an entry in ClinVar:

ClinVar aggregate classification (germline): Pathogenic/Likely pathogenic. Review status: criteria provided, multiple submitters, no conflicts (2 of 4 stars). 5 submissions from 5 submitters: Pathogenic (3); Likely pathogenic (2). Last evaluated 2025-01-10.

Conditions:
GLUT1 deficiency syndrome 1, autosomal recessive. Identifiers: MedGen C3149117.
Encephalopathy due to GLUT1 deficiency. Also called: Glucose transporter protein syndrome; GLUCOSE TRANSPORT DEFECT, BLOOD-BRAIN BARRIER; De Vivo disease; GLUT1 deficiency syndrome 1; GLUT1 deficiency syndrome 1, infantile onset, severe; Classic Glucose Transporter Type 1 Deficiency Syndrome. Identifiers: Orphanet 71277, MedGen C4551966, MONDO:0011724, OMIM 606777.
Dystonia 9 (DYT9). Also called: CHOREOATHETOSIS, KINESIGENIC, WITH EPISODIC ATAXIA AND SPASTICITY. Identifiers: Orphanet 53583, MedGen C1832855, MONDO:0010983, OMIM 601042.

Submissions (5):

Department of Neurology, Zibo Changguo Hospital
Classification: Pathogenic for Encephalopathy due to GLUT1 deficiency; Dystonia 9. Last evaluated: 2025-01-10. Review status: criteria provided, single submitter. Criteria: ACMG Guidelines, 2015. Collection method: clinical testing. Allele origin: de novo. Inheritance: Autosomal dominant inheritance. Affected: yes.
Comment: PM6_Strong, PM1, PM2_Supporting, PM5, PP2, PP3

Labcorp Genetics (formerly Invitae), Labcorp
Classification: Pathogenic for GLUT1 deficiency syndrome 1, autosomal recessive. Last evaluated: 2024-03-22. Review status: criteria provided, single submitter. Criteria: Invitae Variant Classification Sherloc (09022015). Collection method: clinical testing. Allele origin: germline.
Comment: This sequence change replaces asparagine, which is neutral and polar, with aspartic acid, which is acidic and polar, at codon 34 of the SLC2A1 protein (p.Asn34Asp). This variant is not present in population databases (gnomAD no frequency). This missense change has been observed in individual(s) with glucose transporter type 1 deficiency syndrome (PMID: 32901917). In at least one individual the variant was observed to be de novo. ClinVar contains an entry for this variant (Variation ID: 159921). Advanced modeling of protein sequence and biophysical properties (such as structural, functional, and spatial information, amino acid conservation, physicochemical variation, residue mobility, and thermodynamic stability) performed at Invitae indicates that this missense variant is expected to disrupt SLC2A1 protein function with a positive predictive value of 95%. This variant disrupts the p.Asn34 amino acid residue in SLC2A1. Other variant(s) that disrupt this residue have been determined to be pathogenic (PMID: 15622525, 16217704, 23340081, 28116237). This suggests that this residue is clinically significant, and that variants that disrupt this residue are likely to be disease-causing. For these reasons, this variant has been classified as Pathogenic.

Genome-Nilou Lab
Classification: Likely pathogenic for Encephalopathy due to GLUT1 deficiency. Last evaluated: 2023-04-11. Review status: criteria provided, single submitter. Criteria: ACMG Guidelines, 2015. Collection method: clinical testing. Allele origin: germline. Affected: no.

3billion
Classification: Pathogenic for Encephalopathy due to GLUT1 deficiency. Last evaluated: 2021-10-02. Review status: criteria provided, single submitter. Criteria: ACMG Guidelines, 2015. Collection method: clinical testing. Allele origin: germline. Affected: yes. Observed: 1 heterozygote.
Comment: Same nucleotide change resulting in same amino acid change has been previously reported as pathogenic/likely pathogenic with supporting evidence (ClinVar ID: VCV000159921.1, PS1). It is not observed in the gnomAD v2.1.1 dataset (PM2). A different missense change at the same codon (p.Asn34Ser) has been reported as pathogenic/likely pathogenic with strong evidence (ClinVar ID: VCV000662199.8, PMID: 23340081 and 28961260, PM5). The variant was observed as assumed (i.e. paternity and maternity not confirmed) de novoo (3billion dataset, PM6). Missense changes are a common disease-causing mechanism (PP2).In silico tool predictions suggest damaging effect of the variant on gene or gene product (REVEL: 0.743, 3Cnet: 0.848, PP3). Therefore, this variant is classified pathogenic according to the recommendation of ACMG/AMP guideline.

Genetic Services Laboratory, University of Chicago
Classification: Likely pathogenic for GLUT1 deficiency syndrome 1. Last evaluated: 2013-06-06. Review status: criteria provided, single submitter. Criteria: ACMG Guidelines, 2007. Collection method: clinical testing. Allele origin: germline. Inheritance: Autosomal dominant inheritance. Affected: yes.

Literature cited by the submitters: PubMed 32901917 (cited by Labcorp Genetics (formerly Invitae), Labcorp); PubMed 15622525 (cited by Labcorp Genetics (formerly Invitae), Labcorp); PubMed 16217704 (cited by Labcorp Genetics (formerly Invitae), Labcorp); PubMed 23340081 (cited by Labcorp Genetics (formerly Invitae), Labcorp and 3billion); PubMed 28116237 (cited by Labcorp Genetics (formerly Invitae), Labcorp); PubMed 28961260 (cited by 3billion).

NM_006516.4(SLC2A1):c.100A>G (p.Asn34Asp)

Gene: SLC2A1 (solute carrier family 2 member 1; minus strand). Cytogenetic location: 1p34.2.
Variant type: single nucleotide variant.
Coding change: c.100A>G on transcript NM_006516.4 (MANE Select); coding-DNA position 100, A replaced by G.
Protein change: p.Asn34Asp; replaces asparagine 34 with aspartic acid.
Molecular consequence: missense variant.
Genome position (GRCh38, 1-based): chr1:42,943,240, T>C on the plus strand (A>G on the coding strand, the complement: SLC2A1 is on the minus strand). VCF-style: chr1-42943240-T-C. GRCh37 (hg19) VCF-style: chr1-43408911-T-C.
Other names: short protein forms N34D.
Identifiers: ClinVar variation 159921 (VCV000159921.11), dbSNP rs587784390, ClinGen allele CA018969.
Genomic context (GRCh38, chr1:42,943,240, plus strand): 5'-ACAGAGCAGGCTGGTGTCCATAAGCCAACGATGGCACAGTACTCACCTTCTGGGGGGCAT[T>C]GATGACTCCAGTGTTGTAGCCAAACTGCAGGGAGCCAAGCACTGCTCCTCCCACGGCCAG-3'
Protein context (NP_006507.2, residues 24-44): LQFGYNTGVI[Asn34Asp]APQKVIEEFY